The following is an entry in ClinVar:

NM_022173.4(TIA1):c.765-104G>A

Gene: TIA1 (TIA1 cytotoxic granule associated RNA binding protein; minus strand). Cytogenetic location: 2p13.3.
Variant type: single nucleotide variant.
Coding change: c.765-104G>A on transcript NM_022173.4 (MANE Select); 104 bases into the intron before coding-DNA position 765, G replaced by A.
Molecular consequence: intron variant.
Genome position (GRCh38, 1-based): chr2:70,215,598, C>T on the plus strand (G>A on the coding strand, the complement: TIA1 is on the minus strand). VCF-style: chr2-70215598-C-T. GRCh37 (hg19) VCF-style: chr2-70442730-C-T.
Other names: c.621-104G>A (NM_001351513.1); c.654-104G>A (NM_001351511.1); c.627-104G>A (NM_001351512.1); c.537-104G>A (NM_001351514.2); c.345-104G>A (NM_001351524.2, NM_001351517.2, NM_001351525.2); c.732-104G>A (NM_001351510.2, NM_022037.4); c.462-104G>A (NM_001351515.2); c.765-104G>A (NM_001351508.2); and 1 more.
Identifiers: ClinVar variation 1698301 (VCV001698301.2), dbSNP rs112916922, ClinGen allele CA15199590.
Genomic context (GRCh38, chr2:70,215,598, plus strand): 5'-AATATTTATGAATAAAACCTATTTTTAAAAATCAAGGTGAGTCTGAGGTAAAACAGTTTG[C>T]GTAACATGGCATATTTTCTTTGCTATTTTTTTCAAAGATCTTGTAGTTCTGGGGCAACTT-3'

ClinVar aggregate classification (germline): Likely benign (1 of 4 stars; one submission).

Allele frequency attached by ClinVar (database versions not stated): TOPMed 0.00416; 1000 Genomes Project 0.00439; 1000 Genomes Project 30x 0.00531.

Submission:

GeneDx
Classification: Likely benign. Last evaluated: 2022-01-23. Review status: criteria provided, single submitter. Criteria: GeneDx Variant Classification Process June 2021. Collection method: clinical testing. Allele origin: germline. Affected: yes.
Comment: See Variant Classification Assertion Criteria.